The following is an entry in ClinVar:

NM_022051.3(EGLN1):c.248T>G (p.Val83Gly)

Gene: EGLN1 (egl-9 family hypoxia inducible factor 1; minus strand). Cytogenetic location: 1q42.2.
Variant type: single nucleotide variant.
Coding change: c.248T>G on transcript NM_022051.3 (MANE Select); coding-DNA position 248, T replaced by G.
Protein change: p.Val83Gly; replaces valine 83 with glycine.
Molecular consequence: missense variant.
Genome position (GRCh38, 1-based): chr1:231,421,641, A>C on the plus strand (T>G on the coding strand, the complement: EGLN1 is on the minus strand). VCF-style: chr1-231421641-A-C. GRCh37 (hg19) VCF-style: chr1-231557387-A-C.
Other names: c.248T>G, p.Val83Gly (NM_001377260.1, NM_001377261.1); short protein forms V83G.
Identifiers: ClinVar variation 1792054 (VCV001792054.2), dbSNP rs2527361081, ClinGen allele CA345238292.

ClinVar aggregate classification (germline): Uncertain significance (1 of 4 stars; one submission).

Submission:

Ambry Genetics
Classification: Uncertain significance. Last evaluated: 2021-12-10. Review status: criteria provided, single submitter. Criteria: Ambry Variant Classification Scheme 2023. Collection method: clinical testing. Allele origin: germline.
Comment: The p.V83G variant (also known as c.248T>G), located in coding exon 1 of the EGLN1 gene, results from a T to G substitution at nucleotide position 248. The valine at codon 83 is replaced by glycine, an amino acid with dissimilar properties. This amino acid position is conserved. In addition, this alteration is predicted to be tolerated by in silico analysis. Since supporting evidence is limited at this time, the clinical significance of this alteration remains unclear.